The following is an entry in ClinVar:

ClinVar aggregate classification (germline): Likely benign (1 of 4 stars; one submission).

Conditions:
Cone dystrophy with supernormal rod response (CDSRR). Also called: CONE DYSTROPHY WITH SUPERNORMAL ROD RESPONSES. Identifiers: Orphanet 209932, MedGen C1835897, MONDO:0012475, OMIM 610356.

Allele frequency attached by ClinVar (database versions not stated): gnomAD 0.00094 and 0.00131; TOPMed 0.00184; gnomAD exomes 0.00194; 1000 Genomes Project 30x 0.00656; 1000 Genomes Project 0.00739.
gnomAD v4.1: 1,248 of 685,100 alleles (0.18%); highest among the groups gnomAD compares: East Asian, 2.6%; 15 homozygotes.

Submission:

Illumina Laboratory Services, Illumina
Classification: Likely benign for Cone dystrophy with supernormal rod response. Last evaluated: 2017-04-27. Review status: criteria provided, single submitter. Criteria: ICSL Variant Classification Criteria 13 December 2019. Collection method: clinical testing. Allele origin: germline.
Comment: This variant was observed as part of a predisposition screen in an ostensibly healthy population. A literature search was performed for the gene, cDNA change, and amino acid change (where applicable). No publications were found based on this search. Allele frequency data from public databases allowed determination this variant is unlikely to cause disease. Therefore, this variant is classified as likely benign.

NM_133497.4(KCNV2):c.*170A>G

Gene: KCNV2 (potassium voltage-gated channel modifier subfamily V member 2; plus strand). Cytogenetic location: 9p24.2.
Variant type: single nucleotide variant.
Coding change: c.*170A>G on transcript NM_133497.4 (MANE Select); 170 bases downstream of the stop codon, A replaced by G.
Molecular consequence: 3 prime UTR variant.
Genome position (GRCh38, 1-based): chr9:2,729,897, A>G. VCF-style: chr9-2729897-A-G. GRCh37 (hg19) VCF-style: chr9-2729897-A-G.
Identifiers: ClinVar variation 366481 (VCV000366481.5), dbSNP rs10967769, ClinGen allele CA10629875.